The following is an entry in ClinVar:

ClinVar aggregate classification (germline): Benign/Likely benign. Review status: criteria provided, multiple submitters, no conflicts (2 of 4 stars). 4 submissions from 4 submitters: Benign (1); Likely benign (3). Last evaluated 2025-08-07.

Conditions:
Hereditary cancer-predisposing syndrome. Also called: Neoplastic Syndromes, Hereditary; Tumor predisposition; Hereditary Cancer Syndrome; Hereditary neoplastic syndrome. Identifiers: Orphanet 140162, MedGen C0027672, MeSH D009386, MONDO:0015356.
Melanoma, cutaneous malignant, susceptibility to, 3. Also called: Cutaneous malignant melanoma 3. Identifiers: Orphanet 618, MedGen C1836892, MONDO:0012183, OMIM 609048.
Familial melanoma. Also called: Hereditary melanoma; Hereditary cutaneous melanoma. Identifiers: Orphanet 618, MedGen C1512419, MONDO:0018961.

Allele frequency attached by ClinVar (database versions not stated): TOPMed below 0.00001; gnomAD 0.00001; gnomAD exomes 0.00001; ExAC 0.00002; 1000 Genomes Project 30x 0.00016.
gnomAD v4.1: 6 of 1,614,202 alleles (0.00037%); highest among the groups gnomAD compares: Admixed American, 0.0083%; no homozygotes.

Submissions (4):

Labcorp Genetics (formerly Invitae), Labcorp
Classification: Likely benign for Familial melanoma. Last evaluated: 2025-08-07. Review status: criteria provided, single submitter. Criteria: Invitae Variant Classification Sherloc (09022015). Collection method: clinical testing. Allele origin: germline.

Myriad Genetics, Inc.
Classification: Benign for Melanoma, cutaneous malignant, susceptibility to, 3. Last evaluated: 2024-09-26. Review status: criteria provided, single submitter. Criteria: Myriad Autosomal Dominant, Autosomal Recessive and X-Linked Classification Criteria (2023). Collection method: clinical testing. Allele origin: unknown.
Comment: This variant is considered benign. This variant is a silent/synonymous amino acid change and it is not expected to impact splicing.

Women's Health and Genetics/Laboratory Corporation of America, LabCorp
Classification: Likely benign. Last evaluated: 2019-08-28. Review status: criteria provided, single submitter. Criteria: LabCorp Variant Classification Summary - May 2015. Collection method: clinical testing. Allele origin: germline.

Ambry Genetics
Classification: Likely benign for Hereditary cancer-predisposing syndrome. Last evaluated: 2019-06-12. Review status: criteria provided, single submitter. Criteria: Ambry Variant Classification Scheme 2023. Collection method: clinical testing. Allele origin: germline.

NM_000075.4(CDK4):c.645T>C (p.Cys215=)

Genes: CDK4 (cyclin dependent kinase 4; minus strand), TSPAN31 (tetraspanin 31; plus strand). Cytogenetic location: 12q14.1.
Variant type: single nucleotide variant.
Coding change: c.645T>C on transcript NM_000075.4 (MANE Select); coding-DNA position 645, T replaced by C.
Protein change: p.Cys215=; no amino-acid change (cysteine 215 retained).
Molecular consequence: synonymous variant. On other transcripts: 3 prime UTR variant (3).
Genome position (GRCh38, 1-based): chr12:57,749,492, A>G on the plus strand (T>C on the coding strand, the complement: CDK4 is on the minus strand). VCF-style: chr12-57749492-A-G. GRCh37 (hg19) VCF-style: chr12-58143275-A-G.
Other names: c.*2202A>G (NM_001330168.2, NM_001330169.2, NM_005981.5).
Identifiers: ClinVar variation 232657 (VCV000232657.19), dbSNP rs751861614, ClinGen allele CA6657727.
Genomic context (GRCh38, chr12:57,749,492, plus strand): 5'-TTCTCCCATGTTGGTCACTTACTCAAAGATTTTGCCCAACTGGTCGGCTTCAGAGTTTCC[A>G]CAGAAGAGAGGCCTAAGGTGAGAAGGGATATAAGGTAGCAGTCATTTTCAAAGATATCTT-3'
Protein context (NP_000066.1, residues 205-225): AEMFRRKPLF[Cys215=]GNSEADQLGK